The following is an entry in ClinVar:

NM_022051.3(EGLN1):c.116C>A (p.Ser39Tyr)

Gene: EGLN1 (egl-9 family hypoxia inducible factor 1; minus strand). Cytogenetic location: 1q42.2.
Variant type: single nucleotide variant.
Coding change: c.116C>A on transcript NM_022051.3 (MANE Select); coding-DNA position 116, C replaced by A.
Protein change: p.Ser39Tyr; replaces serine 39 with tyrosine.
Molecular consequence: missense variant.
Genome position (GRCh38, 1-based): chr1:231,421,773, G>T on the plus strand (C>A on the coding strand, the complement: EGLN1 is on the minus strand). VCF-style: chr1-231421773-G-T. GRCh37 (hg19) VCF-style: chr1-231557519-G-T.
Other names: c.116C>A, p.Ser39Tyr (NM_001377260.1, NM_001377261.1); short protein forms S39Y.
Identifiers: ClinVar variation 1739115 (VCV001739115.2), dbSNP rs1656627647, ClinGen allele CA345239004.

ClinVar aggregate classification (germline): Uncertain significance (1 of 4 stars; one submission).

Allele frequency attached by ClinVar (database versions not stated): TOPMed below 0.00001.

Submission:

Ambry Genetics
Classification: Uncertain significance. Last evaluated: 2022-05-12. Review status: criteria provided, single submitter. Criteria: Ambry Variant Classification Scheme 2023. Collection method: clinical testing. Allele origin: germline.
Comment: The p.S39Y variant (also known as c.116C>A), located in coding exon 1 of the EGLN1 gene, results from a C to A substitution at nucleotide position 116. The serine at codon 39 is replaced by tyrosine, an amino acid with dissimilar properties. This amino acid position is conserved. In addition, the in silico prediction for this alteration is inconclusive. Since supporting evidence is limited at this time, the clinical significance of this alteration remains unclear.